The following is an entry in ClinVar:

NM_152641.4(ARID2):c.2727A>G (p.Thr909=)

Gene: ARID2 (AT-rich interaction domain 2; plus strand). Cytogenetic location: 12q12.
Variant type: single nucleotide variant.
Coding change: c.2727A>G on transcript NM_152641.4 (MANE Select); coding-DNA position 2727, A replaced by G.
Protein change: p.Thr909=; no amino-acid change (threonine 909 retained).
Molecular consequence: synonymous variant.
Genome position (GRCh38, 1-based): chr12:45,850,850, A>G. VCF-style: chr12-45850850-A-G. GRCh37 (hg19) VCF-style: chr12-46244633-A-G.
Other names: c.2727A>G, p.Thr909= (NM_001347839.2).
Identifiers: ClinVar variation 3389818 (VCV003389818.14).

ClinVar aggregate classification (germline): Likely benign (1 of 4 stars; one submission).

gnomAD v4.1: 4 of 1,614,146 alleles (0.00025%); highest among the groups gnomAD compares: Non-Finnish European, 0.00017%; no homozygotes.

Submission:

CeGaT Center for Human Genetics Tuebingen
Classification: Likely benign. Last evaluated: 2024-10-01. Review status: criteria provided, single submitter. Criteria: CeGaT Center For Human Genetics Tuebingen Variant Classification Criteria Version 2. Collection method: clinical testing. Allele origin: germline. Affected: yes. Observed: 1 variant allele.
Comment: ARID2: BP4, BP7